The following is an entry in ClinVar:

NM_006514.4(SCN10A):c.3340T>C (p.Cys1114Arg)

Genes: SCN10A (sodium voltage-gated channel alpha subunit 10; minus strand), LOC110121288 (VISTA enhancer hs2268; plus strand). Cytogenetic location: 3p22.2.
Variant type: single nucleotide variant.
Coding change: c.3340T>C on transcript NM_006514.4 (MANE Select); coding-DNA position 3340, T replaced by C.
Protein change: p.Cys1114Arg; replaces cysteine 1114 with arginine.
Molecular consequence: missense variant.
Genome position (GRCh38, 1-based): chr3:38,723,442, A>G on the plus strand (T>C on the coding strand, the complement: SCN10A is on the minus strand). VCF-style: chr3-38723442-A-G. GRCh37 (hg19) VCF-style: chr3-38764933-A-G.
Other names: c.3337T>C, p.Cys1113Arg (NM_001293306.2); c.3046T>C, p.Cys1016Arg (NM_001293307.2); short protein forms C1114R, C1016R, C1113R.
Identifiers: ClinVar variation 578225 (VCV000578225.50), dbSNP rs771127702, ClinGen allele CA2320275.

ClinVar aggregate classification (germline): Conflicting classifications of pathogenicity. Review status: criteria provided, conflicting classifications (1 of 4 stars). 4 submissions from 4 submitters: Uncertain significance (3); Likely benign (1). Last evaluated 2024-10-21.

Conditions:
Cardiovascular phenotype. Identifiers: MedGen CN230736.
Brugada syndrome. Also called: Sudden Unexplained Death Syndrome; Sudden Unexplained Nocturnal Death Syndrome (SUNDS); Sudden unexplained nocturnal death syndrome; Sudden unexpected nocturnal death syndrome. Identifiers: Orphanet 130, MedGen C1142166, MONDO:0015263.

Allele frequency attached by ClinVar (database versions not stated): gnomAD exomes 0.00002 and 0.00007; ExAC 0.00009.
gnomAD v4.1: 38 of 1,614,168 alleles (0.0024%); highest among the groups gnomAD compares: South Asian, 0.035%; no homozygotes.

Submissions (4):

GeneDx
Classification: Uncertain significance. Last evaluated: 2024-10-21. Review status: criteria provided, single submitter. Criteria: GeneDx Variant Classification Process June 2021. Collection method: clinical testing. Allele origin: germline. Affected: yes.
Comment: In silico analysis supports that this missense variant has a deleterious effect on protein structure/function; Has not been previously published as pathogenic or benign to our knowledge

Ambry Genetics
Classification: Likely benign for Cardiovascular phenotype. Last evaluated: 2022-05-25. Review status: criteria provided, single submitter. Criteria: Ambry Variant Classification Scheme 2023. Collection method: clinical testing. Allele origin: germline.

CeGaT Center for Human Genetics Tuebingen
Classification: Uncertain significance. Last evaluated: 2019-03-01. Review status: criteria provided, single submitter. Criteria: CeGaT Center For Human Genetics Tuebingen Variant Classification Criteria Version 2. Collection method: clinical testing. Allele origin: germline. Affected: yes. Observed: 1 variant allele.

Labcorp Genetics (formerly Invitae), Labcorp
Classification: Uncertain significance for Brugada syndrome. Last evaluated: 2018-05-24. Review status: criteria provided, single submitter. Criteria: Invitae Variant Classification Sherloc (09022015). Collection method: clinical testing. Allele origin: germline.
Comment: This sequence change replaces cysteine with arginine at codon 1114 of the SCN10A protein (p.Cys1114Arg). The cysteine residue is highly conserved and there is a large physicochemical difference between cysteine and arginine. This variant is present in population databases (rs771127702, ExAC 0.07%), and has an allele count higher than expected for a pathogenic variant (PMID: 28166811). This variant has not been reported in the literature in individuals with SCN10A-related disease. Algorithms developed to predict the effect of missense changes on protein structure and function are either unavailable or do not agree on the potential impact of this missense change (SIFT: "Deleterious"; PolyPhen-2: "Probably Damaging"; Align-GVGD: "Class C0"). In summary, the available evidence is currently insufficient to determine the role of this variant in disease. Therefore, it has been classified as a Variant of Uncertain Significance.

Literature cited by the submitters: PubMed 28166811 (cited by Labcorp Genetics (formerly Invitae), Labcorp).